The following is an entry in ClinVar:

NM_006904.7(PRKDC):c.11345G>A (p.Ser3782Asn)

Gene: PRKDC (protein kinase, DNA-activated, catalytic subunit; minus strand). Cytogenetic location: 8q11.21.
Variant type: single nucleotide variant.
Coding change: c.11345G>A on transcript NM_006904.7 (MANE Select); coding-DNA position 11345, G replaced by A.
Protein change: p.Ser3782Asn; replaces serine 3782 with asparagine.
Molecular consequence: missense variant.
Genome position (GRCh38, 1-based): chr8:47,782,429, C>T on the plus strand (G>A on the coding strand, the complement: PRKDC is on the minus strand). VCF-style: chr8-47782429-C-T. GRCh37 (hg19) VCF-style: chr8-48694990-C-T.
Other names: c.11345G>A, p.Ser3782Asn (NM_001081640.2); short protein forms S3782N.
Identifiers: ClinVar variation 2015261 (VCV002015261.4), dbSNP rs2551860397, ClinGen allele CA371129805.

ClinVar aggregate classification (germline): Uncertain significance (1 of 4 stars; one submission).

Conditions:
Severe combined immunodeficiency due to DNA-PKcs deficiency. Also called: Immunodeficiency 26 with or without neurologic abnormalities; IMMUNODEFICIENCY 26 WITH NEUROLOGIC ABNORMALITIES. Identifiers: Orphanet 317425, MedGen C4014833, MONDO:0014423, OMIM 615966.

Submission:

Labcorp Genetics (formerly Invitae), Labcorp
Classification: Uncertain significance for Severe combined immunodeficiency due to DNA-PKcs deficiency. Last evaluated: 2022-07-14. Review status: criteria provided, single submitter. Criteria: Invitae Variant Classification Sherloc (09022015). Collection method: clinical testing. Allele origin: germline.
Comment: This variant is not present in population databases (gnomAD no frequency). This sequence change replaces serine, which is neutral and polar, with asparagine, which is neutral and polar, at codon 3782 of the PRKDC protein (p.Ser3782Asn). This variant has not been reported in the literature in individuals affected with PRKDC-related conditions. Experimental studies and prediction algorithms are not available or were not evaluated, and the functional significance of this variant is currently unknown. In summary, the available evidence is currently insufficient to determine the role of this variant in disease. Therefore, it has been classified as a Variant of Uncertain Significance.